The following is an entry in ClinVar:

ClinVar aggregate classification (germline): Uncertain significance. Review status: criteria provided, multiple submitters, no conflicts (2 of 4 stars). 2 submissions from 2 submitters: Uncertain significance (2). Last evaluated 2024-10-09.

Conditions:
Aortic valve disease 2 (AOVD2). Identifiers: MedGen C3542024, MONDO:0013902, OMIM 614823.
Inborn genetic diseases. Identifiers: MedGen C0950123, MeSH D030342.

Allele frequency attached by ClinVar (database versions not stated): gnomAD exomes below 0.00001; TOPMed below 0.00001.
gnomAD v4.1: 2 of 1,605,178 alleles (0.00012%); highest among the groups gnomAD compares: Admixed American, 0.0033%; no homozygotes.

Submissions (2):

Labcorp Genetics (formerly Invitae), Labcorp
Classification: Uncertain significance for Aortic valve disease 2. Last evaluated: 2024-10-09. Review status: criteria provided, single submitter. Criteria: Invitae Variant Classification Sherloc (09022015). Collection method: clinical testing. Allele origin: germline.
Comment: This sequence change replaces asparagine, which is neutral and polar, with serine, which is neutral and polar, at codon 462 of the SMAD6 protein (p.Asn462Ser). This variant is present in population databases (no rsID available, gnomAD 0.006%). This variant has not been reported in the literature in individuals affected with SMAD6-related conditions. Invitae Evidence Modeling of protein sequence and biophysical properties (such as structural, functional, and spatial information, amino acid conservation, physicochemical variation, residue mobility, and thermodynamic stability) indicates that this missense variant is not expected to disrupt SMAD6 protein function with a negative predictive value of 80%. In summary, the available evidence is currently insufficient to determine the role of this variant in disease. Therefore, it has been classified as a Variant of Uncertain Significance.

Ambry Genetics
Classification: Uncertain significance for Inborn genetic diseases. Last evaluated: 2024-04-17. Review status: criteria provided, single submitter. Criteria: Ambry Variant Classification Scheme 2023. Collection method: clinical testing. Allele origin: germline.

NM_005585.5(SMAD6):c.1385A>G (p.Asn462Ser)

Gene: SMAD6 (SMAD family member 6; plus strand). Cytogenetic location: 15q22.31.
Variant type: single nucleotide variant.
Coding change: c.1385A>G on transcript NM_005585.5 (MANE Select); coding-DNA position 1385, A replaced by G.
Protein change: p.Asn462Ser; replaces asparagine 462 with serine.
Molecular consequence: missense variant. On other transcripts: non-coding transcript variant (1).
Genome position (GRCh38, 1-based): chr15:66,781,429, A>G. VCF-style: chr15-66781429-A-G. GRCh37 (hg19) VCF-style: chr15-67073767-A-G.
Other names: short protein forms N462S.
Identifiers: ClinVar variation 3224787 (VCV003224787.3), dbSNP rs924860092, ClinGen allele CA272023893.
Genomic context (GRCh38, chr15:66,781,429, plus strand): 5'-AGCGCTCGGGCCTGCAGCACGCGCCCGAGCCCGACGCCGCCGACGGCCCCTACGACCCCA[A>G]CAGCGTCCGCATCAGCTTCGCCAAGGGCTGGGGGCCCTGCTACTCCCGGCAGTTCATCAC-3'
Protein context (NP_005576.3, residues 452-472): PDAADGPYDP[Asn462Ser]SVRISFAKGW